The following is an entry in ClinVar:

NM_153717.3(EVC):c.62_68dup (p.Pro25fs)

Gene: EVC (EvC ciliary complex subunit 1; plus strand). Cytogenetic location: 4p16.2.
Variant type: Duplication.
Coding change: c.62_68dup on transcript NM_153717.3 (MANE Select); coding-DNA positions 62 to 68, 7 bases duplicated (TGCGGCC; older notation c.62_68dupTGCGGCC).
Protein change: p.Pro25fs; shifts the reading frame from proline 25.
Molecular consequence: frameshift variant.
Genome position (GRCh38, 1-based): chr4:5,711,442-5,711,448, TGCGGCC duplicated; duplicating any 7 consecutive bases within chr4:5,711,441-5,711,448 gives the same sequence; the c. name uses the placement nearest the transcript's 3' end. VCF-style (leftmost placement, unchanged base first): chr4-5711440-G-GCTGCGGC. GRCh37 (hg19) VCF-style: chr4-5713167-G-GCTGCGGC.
Other names: c.62_68dup, p.Pro25fs (NM_001306090.2, NM_001306092.2); short protein forms P25fs.
Identifiers: ClinVar variation 1996150 (VCV001996150.4), dbSNP rs2474193970, ClinGen allele CA2580070809.

ClinVar aggregate classification (germline): Pathogenic (1 of 4 stars; one submission).

Conditions:
Curry-Hall syndrome (WAD). Also called: WEYERS ACRODENTAL DYSOSTOSIS. Identifiers: Orphanet 952, MedGen C0457013, MONDO:0008673, OMIM 193530.
Ellis-van Creveld syndrome (EVC). Also called: EVC-Related Ellis-van Creveld Syndrome; EVC2-Related Ellis-van Creveld Syndrome; MESOECTODERMAL DYSPLASIA; Chondroectodermal dysplasia. Identifiers: Orphanet 289, MedGen C0013903, MONDO:0009162, OMIM 225500.

Submission:

Labcorp Genetics (formerly Invitae), Labcorp
Classification: Pathogenic for Curry-Hall syndrome; Ellis-van Creveld syndrome. Last evaluated: 2023-05-23. Review status: criteria provided, single submitter. Criteria: Invitae Variant Classification Sherloc (09022015). Collection method: clinical testing. Allele origin: germline.
Comment: The frequency data for this variant in the population databases is considered unreliable, as metrics indicate insufficient coverage at this position in the gnomAD database. For these reasons, this variant has been classified as Pathogenic. ClinVar contains an entry for this variant (Variation ID: 1996150). This variant has not been reported in the literature in individuals affected with EVC-related conditions. This sequence change creates a premature translational stop signal (p.Pro25Alafs*50) in the EVC gene. It is expected to result in an absent or disrupted protein product. Loss-of-function variants in EVC are known to be pathogenic (PMID: 23220543).

Literature cited by the submitters: PubMed 23220543.